The following is an entry in ClinVar:

NM_001033561.2(PHF12):c.1096C>T (p.Arg366Trp)

Gene: PHF12 (PHD finger protein 12; minus strand). Cytogenetic location: 17q11.2.
Variant type: single nucleotide variant.
Coding change: c.1096C>T on transcript NM_001033561.2 (MANE Select); coding-DNA position 1096, C replaced by T.
Protein change: p.Arg366Trp; replaces arginine 366 with tryptophan.
Molecular consequence: missense variant.
Genome position (GRCh38, 1-based): chr17:28,917,323, G>A on the plus strand (C>T on the coding strand, the complement: PHF12 is on the minus strand). VCF-style: chr17-28917323-G-A. GRCh37 (hg19) VCF-style: chr17-27244341-G-A.
Other names: c.1096C>T, p.Arg366Trp (NM_001290131.2, NM_020889.3); short protein forms R366W.
Identifiers: ClinVar variation 4883436 (VCV004883436.2).
Genomic context (GRCh38, chr17:28,917,323, plus strand): 5'-CCTGCACCTGATTGTGACTCACCTTCAAGCTTCTTCTTTTGACCGACTGGAGCACACGCC[G>A]GTTAGGGGGGTGCTTCTTGTGGATTCGGTTCAGGAAGTCCACTTTGACGACATGCTGCGA-3'
Protein context (NP_001028733.1, residues 356-376): NRIHKKHPPN[Arg366Trp]RVLQSVKRRS

ClinVar aggregate classification (germline): Uncertain significance (1 of 4 stars; one submission).

Conditions:
Complex neurodevelopmental disorder. Identifiers: Orphanet 528084, MedGen C5568766, MONDO:0100038.

gnomAD v4.1: 40 of 1,613,944 alleles (0.0025%); highest among the groups gnomAD compares: East Asian, 0.067%; no homozygotes.

Submission:

Dasa
Classification: Uncertain significance for Complex neurodevelopmental disorder. Last evaluated: 2026-01-11. Review status: criteria provided, single submitter. Criteria: DASA Assertion Criteria. Collection method: clinical testing. Allele origin: germline.
Comment: NM_001033561.2(PHF12):c.1096C>T (p.Arg366Trp) is a missense variant that results in the substitution of arginine with tryptophan. This variant is rare in population databases. The currently available literature and clinical evidence are not sufficient to establish a definitive association between this variant and the reported condition. Therefore, this variant is classified as a variant of uncertain significance.